The following is an entry in ClinVar:

NM_194248.3(OTOF):c.5039G>A (p.Arg1680His)

Genes: OTOF (otoferlin; minus strand), LOC112840921 (BRD4-independent group 4 enhancer GRCh37_chr2:26685720-26686919; plus strand). Cytogenetic location: 2p23.3.
Variant type: single nucleotide variant.
Coding change: c.5039G>A on transcript NM_194248.3 (MANE Select); coding-DNA position 5039, G replaced by A.
Protein change: p.Arg1680His; replaces arginine 1680 with histidine.
Molecular consequence: missense variant.
Genome position (GRCh38, 1-based): chr2:26,464,028, C>T on the plus strand (G>A on the coding strand, the complement: OTOF is on the minus strand). VCF-style: chr2-26464028-C-T. GRCh37 (hg19) VCF-style: chr2-26686896-C-T.
Other names: c.5039G>A, p.Arg1680His (NM_001287489.2); c.2738G>A, p.Arg913His (NM_004802.4, NM_194323.3); c.2969G>A, p.Arg990His (NM_194322.3); short protein forms R1680H, R913H, R990H.
Identifiers: ClinVar variation 178627 (VCV000178627.43), dbSNP rs11893228, ClinGen allele CA182692.

ClinVar aggregate classification (germline): Conflicting classifications of pathogenicity. Review status: criteria provided, conflicting classifications (1 of 4 stars). 6 submissions from 6 submitters: Uncertain significance (1); Benign (3); Likely benign (2). Last evaluated 2026-02-01.

Conditions:
Autosomal recessive nonsyndromic hearing loss 9. Also called: NEUROSENSORY NONSYNDROMIC RECESSIVE DEAFNESS 9; AUDITORY NEUROPATHY, AUTOSOMAL RECESSIVE, 1, TEMPERATURE-SENSITIVE; OTOF-Related Hearing Loss; Deafness, autosomal recessive 9. Identifiers: Orphanet 90636, MedGen C1832828, MONDO:0010986, OMIM 601071.

Allele frequency attached by ClinVar (database versions not stated): gnomAD exomes 0.00085; ExAC 0.00118; ESP Exome Variant Server 0.00261; gnomAD 0.00315 and 0.00337; TOPMed 0.00380; 1000 Genomes Project 0.00539; 1000 Genomes Project 30x 0.00625.
gnomAD v4.1: 922 of 1,613,702 alleles (0.057%); highest among the groups gnomAD compares: African/African-American, 1.1%; 9 homozygotes.

Submissions (6):

Labcorp Genetics (formerly Invitae), Labcorp
Classification: Benign. Last evaluated: 2026-02-01. Review status: criteria provided, single submitter. Criteria: Invitae Variant Classification Sherloc (09022015). Collection method: clinical testing. Allele origin: germline.

Blueprint Genetics
Classification: Likely benign. Last evaluated: 2024-11-25. Review status: criteria provided, single submitter. Criteria: ACMG Guidelines, 2015. Collection method: clinical testing. Allele origin: germline.

CeGaT Center for Human Genetics Tuebingen
Classification: Benign. Last evaluated: 2023-07-01. Review status: criteria provided, single submitter. Criteria: CeGaT Center For Human Genetics Tuebingen Variant Classification Criteria Version 2. Collection method: clinical testing. Allele origin: germline. Affected: yes. Observed: 1 variant allele.
Comment: OTOF: BP4, BS1, BS2

GeneDx
Classification: Likely benign. Last evaluated: 2021-09-29. Review status: criteria provided, single submitter. Criteria: GeneDx Variant Classification Process June 2021. Collection method: clinical testing. Allele origin: germline. Affected: yes.

Illumina Laboratory Services, Illumina
Classification: Uncertain significance for Autosomal recessive nonsyndromic hearing loss 9. Last evaluated: 2018-01-12. Review status: criteria provided, single submitter. Criteria: ICSL Variant Classification Criteria 13 December 2019. Collection method: clinical testing. Allele origin: germline.

Laboratory for Molecular Medicine, Mass General Brigham Personalized Medicine
Classification: Benign. Last evaluated: 2012-05-07. Review status: criteria provided, single submitter. Criteria: LMM Criteria. Collection method: clinical testing. Allele origin: germline. Observed: 1 variant allele.
Comment: Arg1680His in Exon 40 of OTOF: This variant is not expected to have clinical sig nificance because it has been identified in 0.7% (25/3738) of African American c hromosomes from a broad population by the NHLBI Exome Sequencing Project (dbSNP rs11893228).